The following is an entry in ClinVar:

ClinVar aggregate classification (germline): Pathogenic (1 of 4 stars; one submission).

Conditions:
Developmental and epileptic encephalopathy, 42 (DEE42A). Also called: DEVELOPMENTAL AND EPILEPTIC ENCEPHALOPATHY 42A; EPILEPTIC ENCEPHALOPATHY, EARLY INFANTILE, 42A; Epileptic encephalopathy, early infantile, 42. Identifiers: MedGen C4310716, MONDO:0014917, OMIM 617106.
Episodic ataxia type 2 (EA2). Also called: ACETAZOLAMIDE-RESPONSIVE HEREDITARY PAROXYSMAL CEREBELLAR ATAXIA; ATAXIA, EPISODIC, WITH NYSTAGMUS; ATAXIA, FAMILIAL PAROXYSMAL; CEREBELLAR ATAXIA, PAROXYSMAL, ACETAZOLAMIDE-RESPONSIVE; CEREBELLOPATHY, HEREDITARY PAROXYSMAL; EPISODIC ATAXIA, NYSTAGMUS-ASSOCIATED. Identifiers: Orphanet 97, MedGen C1720416, MONDO:0007163, OMIM 108500.

Submission:

Labcorp Genetics (formerly Invitae), Labcorp
Classification: Pathogenic for Developmental and epileptic encephalopathy, 42; Episodic ataxia type 2. Last evaluated: 2024-02-26. Review status: criteria provided, single submitter. Criteria: Invitae Variant Classification Sherloc (09022015). Collection method: clinical testing. Allele origin: germline.
Comment: This sequence change creates a premature translational stop signal (p.Trp491*) in the CACNA1A gene. It is expected to result in an absent or disrupted protein product. Loss-of-function variants in CACNA1A are known to be pathogenic (PMID: 10371528, 19486177, 25735478, 27250579). This variant is not present in population databases (gnomAD no frequency). This premature translational stop signal has been observed in individual(s) with CACNA1A-related conditions (PMID: 31440721). For these reasons, this variant has been classified as Pathogenic.

Literature cited by the submitters: PubMed 10371528; PubMed 19486177; PubMed 25735478; PubMed 27250579; PubMed 31440721.

NM_001127222.2(CACNA1A):c.1470G>A (p.Trp490Ter)

Gene: CACNA1A (calcium voltage-gated channel subunit alpha1 A; minus strand). Cytogenetic location: 19p13.13.
Variant type: single nucleotide variant.
Coding change: c.1470G>A on transcript NM_001127222.2 (MANE Select); coding-DNA position 1470, G replaced by A.
Protein change: p.Trp490Ter; replaces tryptophan 490 with a stop codon.
Molecular consequence: nonsense.
Genome position (GRCh38, 1-based): chr19:13,317,197, C>T on the plus strand (G>A on the coding strand, the complement: CACNA1A is on the minus strand). VCF-style: chr19-13317197-C-T. GRCh37 (hg19) VCF-style: chr19-13428011-C-T.
Other names: c.1473G>A, p.Trp491Ter (NM_000068.4, NM_001127221.2, NM_001174080.2 and 1 more transcripts); short protein forms W491*, W490*.
Identifiers: ClinVar variation 2921314 (VCV002921314.3), dbSNP rs2512982918, ClinGen allele CA404345736.